The following is an entry in ClinVar:

NM_201384.3(PLEC):c.11300C>T (p.Ala3767Val)

Gene: PLEC (plectin; minus strand). Cytogenetic location: 8q24.3.
Variant type: single nucleotide variant.
Coding change: c.11300C>T on transcript NM_201384.3 (MANE Select); coding-DNA position 11300, C replaced by T.
Protein change: p.Ala3767Val; replaces alanine 3767 with valine.
Molecular consequence: missense variant.
Genome position (GRCh38, 1-based): chr8:143,918,521, G>A on the plus strand (C>T on the coding strand, the complement: PLEC is on the minus strand). VCF-style: chr8-143918521-G-A. GRCh37 (hg19) VCF-style: chr8-144992689-G-A.
Other names: c.11381C>T, p.Ala3794Val (NM_000445.5); c.8000C>T, p.Ala2667Val (NM_001410941.1); c.11258C>T, p.Ala3753Val (NM_201378.4); c.11234C>T, p.Ala3745Val (NM_201379.3); c.11711C>T, p.Ala3904Val (NM_201380.4); c.11204C>T, p.Ala3735Val (NM_201381.3); c.11300C>T, p.Ala3767Val (NM_201382.4); c.11312C>T, p.Ala3771Val (NM_201383.3); short protein forms A3735V, A3771V, A3794V, A3904V, A3767V, A2667V, A3745V, A3753V.
Identifiers: ClinVar variation 4788305 (VCV004788305.1).

ClinVar aggregate classification (germline): Uncertain significance (1 of 4 stars; one submission).

Conditions:
Epidermolysis bullosa simplex with nail dystrophy (EBS5D). Identifiers: MedGen C4225309, MONDO:0014661, OMIM 616487.
Epidermolysis bullosa simplex, Ogna type (EBS5A). Also called: EPIDERMOLYSIS BULLOSA SIMPLEX 5A, OGNA TYPE; Pidermolysis bullosa simplex 5A, Ogna type. Identifiers: Orphanet 79401, MedGen C0432317, MONDO:0007555, OMIM 131950.
Autosomal recessive limb-girdle muscular dystrophy type 2Q (LGMDR17). Also called: MUSCULAR DYSTROPHY, LIMB-GIRDLE, AUTOSOMAL RECESSIVE 17. Identifiers: Orphanet 254361, MedGen C3150989, MONDO:0013390, OMIM 613723.
Epidermolysis bullosa simplex 5B, with muscular dystrophy (EBS5B). Also called: EPIDERMOLYSIS BULLOSA SIMPLEX AND LIMB-GIRDLE MUSCULAR DYSTROPHY; Epidermolysis bullosa simplex with muscular dystrophy. Identifiers: Orphanet 257, MedGen C2931072, MONDO:0009181, OMIM 226670.
Epidermolysis bullosa simplex 5C, with pyloric atresia (EBS5C). Also called: PLEC-Related Epidermolysis Bullosa with Pyloric Atresia; Epidermolysis bullosa simplex with pyloric atresia; PLEC1-Related Epidermolysis Bullosa with Pyloric Atresia. Identifiers: Orphanet 158684, MedGen C2677349, MONDO:0012807, OMIM 612138.

gnomAD v4.1: 30 of 1,607,146 alleles (0.0019%); highest among the groups gnomAD compares: East Asian, 0.018%; no homozygotes.

Submission:

Labcorp Genetics (formerly Invitae), Labcorp
Classification: Uncertain significance for Autosomal recessive limb-girdle muscular dystrophy type 2Q; Epidermolysis bullosa simplex, Ogna type; Epidermolysis bullosa simplex with nail dystrophy; Epidermolysis bullosa simplex 5C, with pyloric atresia; Epidermolysis bullosa simplex 5B, with muscular dystrophy. Last evaluated: 2025-10-01. Review status: criteria provided, single submitter. Criteria: Invitae Variant Classification Sherloc (09022015). Collection method: clinical testing. Allele origin: germline.
Comment: This sequence change replaces alanine, which is neutral and non-polar, with valine, which is neutral and non-polar, at codon 3794 of the PLEC protein (p.Ala3794Val). This variant is present in population databases (rs782604582, gnomAD 0.02%). This variant has not been reported in the literature in individuals affected with PLEC-related conditions. An algorithm developed to predict the effect of missense changes on protein structure and function (PolyPhen-2) suggests that this variant is likely to be disruptive. In summary, the available evidence is currently insufficient to determine the role of this variant in disease. Therefore, it has been classified as a Variant of Uncertain Significance.